The following is an entry in ClinVar:

NM_001351169.2(NT5C2):c.765T>C (p.Tyr255=)

Gene: NT5C2 (5'-nucleotidase, cytosolic II; minus strand). Cytogenetic location: 10q24.32.
Variant type: single nucleotide variant.
Coding change: c.765T>C on transcript NM_001351169.2 (MANE Select); coding-DNA position 765, T replaced by C.
Protein change: p.Tyr255=; no amino-acid change (tyrosine 255 retained).
Molecular consequence: synonymous variant.
Genome position (GRCh38, 1-based): chr10:103,097,297, A>G on the plus strand (T>C on the coding strand, the complement: NT5C2 is on the minus strand). VCF-style: chr10-103097297-A-G. GRCh37 (hg19) VCF-style: chr10-104857054-A-G.
Other names: c.192T>C, p.Tyr64= (NM_001351182.2, NM_001351183.2, NM_001351184.2 and 16 more transcripts); c.765T>C, p.Tyr255= (NM_001134373.3, NM_012229.5); c.789T>C, p.Tyr263= (NM_001351170.2, NM_001351171.2, NM_001351172.2 and 1 more transcripts); c.678T>C, p.Tyr226= (NM_001351174.1); c.672T>C, p.Tyr224= (NM_001351175.2); c.51T>C, p.Tyr17= (NM_001351194.2, NM_001351195.2, NM_001351196.2).
Identifiers: ClinVar variation 2731406 (VCV002731406.16), dbSNP rs775879034, ClinGen allele CA5670970.
Genomic context (GRCh38, chr10:103,097,297, plus strand): 5'-CTTTAGGCCAAAATAATTCCACTGCATAAATAAATATACACATGAAGCACTTACATCTGT[A>G]TATTTATAGTCACTGTTGGTAGCAAGAAATACTTTCCCTACTTCCTTCATCCGGCTCAGA-3'
Protein context (NP_001338098.1, residues 245-265): VFLATNSDYK[Tyr255=]TDKIMTYLFD

ClinVar aggregate classification (germline): Likely benign. Review status: criteria provided, multiple submitters, no conflicts (2 of 4 stars). 2 submissions from 2 submitters: Likely benign (2). Last evaluated 2025-01-01.

Conditions:
Hereditary spastic paraplegia 45. Also called: Spastic paraplegia 45, autosomal recessive; SPASTIC PARAPLEGIA 45. Identifiers: Orphanet 320396, MedGen C3888209, MONDO:0013165, OMIM 613162.

Allele frequency attached by ClinVar (database versions not stated): TOPMed below 0.00001; ExAC 0.00002; gnomAD 0.00002; gnomAD exomes 0.00002.
gnomAD v4.1: 27 of 1,610,452 alleles (0.0017%); highest among the groups gnomAD compares: East Asian, 0.027%; no homozygotes.

Submissions (2):

CeGaT Center for Human Genetics Tuebingen
Classification: Likely benign. Last evaluated: 2025-01-01. Review status: criteria provided, single submitter. Criteria: CeGaT Center For Human Genetics Tuebingen Variant Classification Criteria Version 2. Collection method: clinical testing. Allele origin: germline. Affected: yes. Observed: 1 variant allele.
Comment: NT5C2: BP4, BP7

Labcorp Genetics (formerly Invitae), Labcorp
Classification: Likely benign for Hereditary spastic paraplegia 45. Last evaluated: 2023-06-10. Review status: criteria provided, single submitter. Criteria: Invitae Variant Classification Sherloc (09022015). Collection method: clinical testing. Allele origin: germline.